The following is an entry in ClinVar:

NM_001735.3(C5):c.1729C>A (p.Pro577Thr)

Gene: C5 (complement C5; minus strand). Cytogenetic location: 9q33.2.
Variant type: single nucleotide variant.
Coding change: c.1729C>A on transcript NM_001735.3 (MANE Select); coding-DNA position 1729, C replaced by A.
Protein change: p.Pro577Thr; replaces proline 577 with threonine.
Molecular consequence: missense variant.
Genome position (GRCh38, 1-based): chr9:121,017,499, G>T on the plus strand (C>A on the coding strand, the complement: C5 is on the minus strand). VCF-style: chr9-121017499-G-T. GRCh37 (hg19) VCF-style: chr9-123779777-G-T.
Other names: c.1747C>A, p.Pro583Thr (NM_001317163.2); c.1729C>A, p.Pro577Thr (NM_001317164.2); short protein forms P583T, P577T.
Identifiers: ClinVar variation 1520310 (VCV001520310.8), dbSNP rs2047317963, ClinGen allele CA374748301.

ClinVar aggregate classification (germline): Uncertain significance (1 of 4 stars; one submission).

Allele frequency attached by ClinVar (database versions not stated): TOPMed below 0.00001; gnomAD 0.00001.
gnomAD v4.1: 2 of 1,613,634 alleles (0.00012%); highest among the groups gnomAD compares: Admixed American, 0.0033%; no homozygotes.

Submission:

Labcorp Genetics (formerly Invitae), Labcorp
Classification: Uncertain significance. Last evaluated: 2021-03-26. Review status: criteria provided, single submitter. Criteria: Invitae Variant Classification Sherloc (09022015). Collection method: clinical testing. Allele origin: germline.
Comment: In summary, the available evidence is currently insufficient to determine the role of this variant in disease. Therefore, it has been classified as a Variant of Uncertain Significance. Algorithms developed to predict the effect of missense changes on protein structure and function (SIFT, PolyPhen-2, Align-GVGD) all suggest that this variant is likely to be tolerated, but these predictions have not been confirmed by published functional studies and their clinical significance is uncertain. This variant has not been reported in the literature in individuals with C5-related conditions. This variant is not present in population databases (ExAC no frequency). This sequence change replaces proline with threonine at codon 577 of the C5 protein (p.Pro577Thr). The proline residue is weakly conserved and there is a small physicochemical difference between proline and threonine.